The following is an entry in ClinVar:

NM_012213.3(MLYCD):c.1364G>T (p.Arg455Leu)

Gene: MLYCD (malonyl-CoA decarboxylase; plus strand). Cytogenetic location: 16q23.3.
Variant type: single nucleotide variant.
Coding change: c.1364G>T on transcript NM_012213.3 (MANE Select); coding-DNA position 1364, G replaced by T.
Protein change: p.Arg455Leu; replaces arginine 455 with leucine.
Molecular consequence: missense variant.
Genome position (GRCh38, 1-based): chr16:83,915,371, G>T. VCF-style: chr16-83915371-G-T. GRCh37 (hg19) VCF-style: chr16-83948976-G-T.
Other names: short protein forms R455L.
Identifiers: ClinVar variation 2169069 (VCV002169069.4), dbSNP rs769856531, ClinGen allele CA396920572.

ClinVar aggregate classification (germline): Uncertain significance (1 of 4 stars; one submission).

Conditions:
Deficiency of malonyl-CoA decarboxylase. Also called: Malonic aciduria; MCD deficiency. Identifiers: Orphanet 943, MedGen C0342793, MONDO:0009556, OMIM 248360.

Submission:

Labcorp Genetics (formerly Invitae), Labcorp
Classification: Uncertain significance for Deficiency of malonyl-CoA decarboxylase. Last evaluated: 2022-05-04. Review status: criteria provided, single submitter. Criteria: Invitae Variant Classification Sherloc (09022015). Collection method: clinical testing. Allele origin: germline.
Comment: In summary, the available evidence is currently insufficient to determine the role of this variant in disease. Therefore, it has been classified as a Variant of Uncertain Significance. Algorithms developed to predict the effect of missense changes on protein structure and function (SIFT, PolyPhen-2, Align-GVGD) all suggest that this variant is likely to be disruptive. This variant has not been reported in the literature in individuals affected with MLYCD-related conditions. This variant is not present in population databases (gnomAD no frequency). This sequence change replaces arginine, which is basic and polar, with leucine, which is neutral and non-polar, at codon 455 of the MLYCD protein (p.Arg455Leu).